The following is an entry in ClinVar:

NM_052867.4(NALCN):c.541G>A (p.Val181Ile)

Gene: NALCN (sodium leak channel, non-selective; minus strand). Cytogenetic location: 13q33.1.
Variant type: single nucleotide variant.
Coding change: c.541G>A on transcript NM_052867.4 (MANE Select); coding-DNA position 541, G replaced by A.
Protein change: p.Val181Ile; replaces valine 181 with isoleucine.
Molecular consequence: missense variant.
Genome position (GRCh38, 1-based): chr13:101,376,803, C>T on the plus strand (G>A on the coding strand, the complement: NALCN is on the minus strand). VCF-style: chr13-101376803-C-T. GRCh37 (hg19) VCF-style: chr13-102029154-C-T.
Other names: c.541G>A, p.Val181Ile (NM_001350748.2, NM_001350749.2, NM_001350750.2 and 1 more transcripts); short protein forms V181I.
Identifiers: ClinVar variation 4975769 (VCV004975769.1).

ClinVar aggregate classification (germline): Uncertain significance (1 of 4 stars; one submission).

Submission:

GeneDx
Classification: Uncertain significance. Last evaluated: 2026-02-03. Review status: criteria provided, single submitter. Criteria: GeneDx Variant Classification Process June 2021. Collection method: clinical testing. Allele origin: germline.
Comment: Not observed at significant frequency in large population cohorts (gnomAD); In silico analysis suggests that this missense variant does not alter protein structure/function; Has not been previously published as pathogenic or benign to our knowledge